The following is an entry in ClinVar:

NM_001830.4(CLCN4):c.1151C>T (p.Ala384Val)

Gene: CLCN4 (chloride voltage-gated channel 4; plus strand). Cytogenetic location: Xp22.2.
Variant type: single nucleotide variant.
Coding change: c.1151C>T on transcript NM_001830.4 (MANE Select); coding-DNA position 1151, C replaced by T.
Protein change: p.Ala384Val; replaces alanine 384 with valine.
Molecular consequence: missense variant.
Genome position (GRCh38, 1-based): chrX:10,208,352, C>T. VCF-style: chrX-10208352-C-T. GRCh37 (hg19) VCF-style: chrX-10176392-C-T.
Other names: c.869C>T, p.Ala290Val (NM_001256944.2); short protein forms A290V, A384V.
Identifiers: ClinVar variation 2499830 (VCV002499830.1), dbSNP rs770989285, ClinGen allele CA10347181.

ClinVar aggregate classification (germline): Uncertain significance (1 of 4 stars; one submission).

Allele frequency attached by ClinVar (database versions not stated): ExAC 0.00001; TOPMed 0.00001; gnomAD 0.00003.
gnomAD v4.1: 3 of 1,208,769 alleles (0.00025%); highest among the groups gnomAD compares: Non-Finnish European, 0.00034%; no homozygotes.

Submission:

GeneDx
Classification: Uncertain significance. Last evaluated: 2022-10-19. Review status: criteria provided, single submitter. Criteria: GeneDx Variant Classification Process June 2021. Collection method: clinical testing. Allele origin: germline. Affected: yes.
Comment: Not observed at significant frequency in large population cohorts (gnomAD); In silico analysis supports that this missense variant has a deleterious effect on protein structure/function; Has not been previously published as pathogenic or benign to our knowledge